The following is an entry in ClinVar:

ClinVar aggregate classification (germline): Uncertain significance (1 of 4 stars; one submission).

Conditions:
Hereditary cancer-predisposing syndrome. Also called: Tumor predisposition; Hereditary Cancer Syndrome; Hereditary neoplastic syndrome; Neoplastic Syndromes, Hereditary. Identifiers: Orphanet 140162, MedGen C0027672, MeSH D009386, MONDO:0015356.

Submission:

Ambry Genetics
Classification: Uncertain significance for Hereditary cancer-predisposing syndrome. Last evaluated: 2025-10-05. Review status: criteria provided, single submitter. Criteria: Ambry Variant Classification Scheme 2023. Collection method: clinical testing. Allele origin: germline.
Comment: The p.S250C variant (also known as c.748A>T), located in coding exon 3 of the SMARCA4 gene, results from an A to T substitution at nucleotide position 748. The serine at codon 250 is replaced by cysteine, an amino acid with dissimilar properties. This amino acid position is conserved. In addition, the in silico prediction for this alteration is inconclusive. Based on the available evidence, the clinical significance of this variant remains unclear.

NM_003072.5(SMARCA4):c.748A>T (p.Ser250Cys)

Gene: SMARCA4 (SWI/SNF related BAF chromatin remodeling complex subunit ATPase 4; plus strand). Cytogenetic location: 19p13.2.
Variant type: single nucleotide variant.
Coding change: c.748A>T on transcript NM_003072.5 (MANE Select); coding-DNA position 748, A replaced by T.
Protein change: p.Ser250Cys; replaces serine 250 with cysteine.
Molecular consequence: missense variant. On other transcripts: non-coding transcript variant (1).
Genome position (GRCh38, 1-based): chr19:10,986,581, A>T. VCF-style: chr19-10986581-A-T. GRCh37 (hg19) VCF-style: chr19-11097257-A-T.
Other names: c.748A>T, p.Ser250Cys (NM_001128844.3, NM_001128845.2, NM_001128846.2 and 6 more transcripts); short protein forms S250C.
Identifiers: ClinVar variation 4549315 (VCV004549315.1).